The following is an entry in ClinVar:

NM_006904.7(PRKDC):c.10577C>T (p.Pro3526Leu)

Gene: PRKDC (protein kinase, DNA-activated, catalytic subunit; minus strand). Cytogenetic location: 8q11.21.
Variant type: single nucleotide variant.
Coding change: c.10577C>T on transcript NM_006904.7 (MANE Select); coding-DNA position 10577, C replaced by T.
Protein change: p.Pro3526Leu; replaces proline 3526 with leucine.
Molecular consequence: missense variant.
Genome position (GRCh38, 1-based): chr8:47,794,383, G>A on the plus strand (C>T on the coding strand, the complement: PRKDC is on the minus strand). VCF-style: chr8-47794383-G-A. GRCh37 (hg19) VCF-style: chr8-48706944-G-A.
Other names: c.10577C>T, p.Pro3526Leu (NM_001081640.2); short protein forms P3526L.
Identifiers: ClinVar variation 2006054 (VCV002006054.4), dbSNP rs1452690515, ClinGen allele CA371133889.
Genomic context (GRCh38, chr8:47,794,383, plus strand): 5'-GAAGTATCCTTGAAGGAATAGCTTTCGCTGCTTATGATGAAGGGATAAACAATAGCCTGC[G>A]GGTAGTTATCAGTGATTTCTTCCACAGAGTGCTGAACAGCAACGGCTTGGTCTTTGTCCA-3'
Protein context (NP_008835.5, residues 3516-3536): HSVEEITDNY[Pro3526Leu]QAIVYPFIIS

ClinVar aggregate classification (germline): Uncertain significance (1 of 4 stars; one submission).

Conditions:
Severe combined immunodeficiency due to DNA-PKcs deficiency. Also called: Immunodeficiency 26 with or without neurologic abnormalities; IMMUNODEFICIENCY 26 WITH NEUROLOGIC ABNORMALITIES. Identifiers: Orphanet 317425, MedGen C4014833, MONDO:0014423, OMIM 615966.

Allele frequency attached by ClinVar (database versions not stated): gnomAD exomes below 0.00001.
gnomAD v4.1: 3 of 1,613,808 alleles (0.00019%); highest among the groups gnomAD compares: Non-Finnish European, 0.00017%; no homozygotes.

Submission:

Labcorp Genetics (formerly Invitae), Labcorp
Classification: Uncertain significance for Severe combined immunodeficiency due to DNA-PKcs deficiency. Last evaluated: 2025-06-20. Review status: criteria provided, single submitter. Criteria: Invitae Variant Classification Sherloc (09022015). Collection method: clinical testing. Allele origin: germline.
Comment: This sequence change replaces proline, which is neutral and non-polar, with leucine, which is neutral and non-polar, at codon 3526 of the PRKDC protein (p.Pro3526Leu). This variant is present in population databases (no rsID available, gnomAD 0.003%). This variant has not been reported in the literature in individuals affected with PRKDC-related conditions. ClinVar contains an entry for this variant (Variation ID: 2006054). Invitae Evidence Modeling of protein sequence and biophysical properties (such as structural, functional, and spatial information, amino acid conservation, physicochemical variation, residue mobility, and thermodynamic stability) indicates that this missense variant is expected to disrupt PRKDC protein function with a positive predictive value of 80%. In summary, the available evidence is currently insufficient to determine the role of this variant in disease. Therefore, it has been classified as a Variant of Uncertain Significance.